The following is an entry in ClinVar:

NM_001166108.2(PALLD):c.1982C>G (p.Ala661Gly)

Gene: PALLD (palladin, cytoskeletal associated protein; plus strand). Cytogenetic location: 4q32.3.
Variant type: single nucleotide variant.
Coding change: c.1982C>G on transcript NM_001166108.2 (MANE Select); coding-DNA position 1982, C replaced by G.
Protein change: p.Ala661Gly; replaces alanine 661 with glycine.
Molecular consequence: missense variant. On other transcripts: 5 prime UTR variant (4).
Genome position (GRCh38, 1-based): chr4:168,890,939, C>G. VCF-style: chr4-168890939-C-G. GRCh37 (hg19) VCF-style: chr4-169812090-C-G.
Other names: c.836C>G, p.Ala279Gly (NM_001166109.2); c.521C>G, p.Ala174Gly (NM_001166110.2); c.-140C>G (NM_001367567.1, NM_001367568.1, NM_001367569.1 and 1 more transcripts); c.1982C>G, p.Ala661Gly (NM_016081.4); short protein forms A174G, A661G, A279G.
Identifiers: ClinVar variation 2625539 (VCV002625539.2), dbSNP rs2533586666, ClinGen allele CA358797086.

ClinVar aggregate classification (germline): Uncertain significance (1 of 4 stars; one submission).

Submission:

Ambry Genetics
Classification: Uncertain significance. Last evaluated: 2023-06-17. Review status: criteria provided, single submitter. Criteria: Ambry Variant Classification Scheme 2023. Collection method: clinical testing. Allele origin: germline.
Comment: The p.A661G variant (also known as c.1982C>G), located in coding exon 10 of the PALLD gene, results from a C to G substitution at nucleotide position 1982. The alanine at codon 661 is replaced by glycine, an amino acid with similar properties. This amino acid position is conserved. In addition, this alteration is predicted to be tolerated by in silico analysis. Since supporting evidence is limited at this time, the clinical significance of this alteration remains unclear.